The following is an entry in ClinVar:

NM_001042492.3(NF1):c.7458-339G>A

Gene: NF1 (neurofibromin 1; plus strand). Cytogenetic location: 17q11.2.
Variant type: single nucleotide variant.
Coding change: c.7458-339G>A on transcript NM_001042492.3 (MANE Select); 339 bases into the intron before coding-DNA position 7458, G replaced by A.
Molecular consequence: intron variant.
Genome position (GRCh38, 1-based): chr17:31,351,918, G>A. VCF-style: chr17-31351918-G-A. GRCh37 (hg19) VCF-style: chr17-29678936-G-A.
Other names: c.7395-339G>A (NM_000267.4).
Identifiers: ClinVar variation 1501995 (VCV001501995.6), dbSNP rs2151576361, ClinGen allele CA2573153840.

ClinVar aggregate classification (germline): Uncertain significance (1 of 4 stars; one submission).

Conditions:
Neurofibromatosis, type 1 (NF1). Also called: VON RECKLINGHAUSEN DISEASE; NEUROFIBROMATOSIS, TYPE I, SOMATIC; Peripheral type neurofibromatosis; Neurofibromatosis, type I. Identifiers: Orphanet 636, MedGen C0027831, MONDO:0018975, OMIM 162200. Disease mechanism: loss of function.

Submission:

Labcorp Genetics (formerly Invitae), Labcorp
Classification: Uncertain significance for Neurofibromatosis, type 1. Last evaluated: 2021-11-08. Review status: criteria provided, single submitter. Criteria: Invitae Variant Classification Sherloc (09022015). Collection method: clinical testing. Allele origin: germline.
Comment: In summary, the available evidence is currently insufficient to determine the role of this variant in disease. Therefore, it has been classified as a Variant of Uncertain Significance. Studies have shown that this variant results in intronic pseudo exon inclusion and introduces a premature termination codon (Invitae). The resulting mRNA is expected to undergo nonsense-mediated decay. This variant has not been reported in the literature in individuals affected with NF1-related conditions. This variant is not present in population databases (gnomAD no frequency). This sequence change falls in intron 49 of the NF1 gene. It does not directly change the encoded amino acid sequence of the NF1 protein. RNA analysis indicates that this variant induces altered splicing and may result in an absent or disrupted protein product.